The following is an entry in ClinVar:

ClinVar aggregate classification (germline): Benign. Review status: criteria provided, multiple submitters, no conflicts (2 of 4 stars). 3 submissions from 3 submitters: Benign (3). Last evaluated 2021-07-14.

Conditions:
Neuropathy, hereditary sensory and autonomic, type 2A (HSAN2A). Also called: WNK1-Related HSAN2 (HSAN2A); ACROOSTEOLYSIS, GIACCAI TYPE; ACROOSTEOLYSIS, NEUROGENIC; MORVAN DISEASE; NEUROPATHY, CONGENITAL SENSORY; NEUROPATHY, HEREDITARY SENSORY RADICULAR, AUTOSOMAL RECESSIVE. Identifiers: Orphanet 970, MedGen C2752089, MONDO:0024309, OMIM 201300.

Allele frequency attached by ClinVar (database versions not stated): ESP Exome Variant Server 0.68876; 1000 Genomes Project 30x 0.69425; 1000 Genomes Project 0.69688; TOPMed 0.69815; gnomAD 0.70364 and 0.70620; ExAC 0.74755; gnomAD exomes 0.75075.
gnomAD v4.1: 1,162,490 of 1,551,824 alleles (75%); highest among the groups gnomAD compares: East Asian, 88%; 437,724 homozygotes.

Submissions (3):

Genome-Nilou Lab
Classification: Benign for Neuropathy, hereditary sensory and autonomic, type 2A. Last evaluated: 2021-07-14. Review status: criteria provided, single submitter. Criteria: ACMG Guidelines, 2015. Collection method: clinical testing. Allele origin: germline. Affected: no.

GeneDx
Classification: Benign. Last evaluated: 2018-06-14. Review status: criteria provided, single submitter. Criteria: GeneDx Variant Classification (06012015). Collection method: clinical testing. Allele origin: germline. Affected: yes.
Comment: This variant is considered likely benign or benign based on one or more of the following criteria: it is a conservative change, it occurs at a poorly conserved position in the protein, it is predicted to be benign by multiple in silico algorithms, and/or has population frequency not consistent with disease.

Breakthrough Genomics
Classification: Benign. Review status: criteria provided, single submitter. Criteria: ACMG Guidelines, 2015. Collection method: not provided. Allele origin: germline. Inheritance: Autosomal recessive inheritance. Affected: yes.

NM_018979.4(WNK1):c.1153+40C>G

Gene: WNK1 (WNK lysine deficient protein kinase 1; plus strand). Cytogenetic location: 12p13.33.
Variant type: single nucleotide variant.
Coding change: c.1153+40C>G on transcript NM_018979.4 (MANE Select); 40 bases into the intron after coding-DNA position 1153, C replaced by G.
Molecular consequence: intron variant.
Genome position (GRCh38, 1-based): chr12:827,302, C>G. VCF-style: chr12-827302-C-G. GRCh37 (hg19) VCF-style: chr12-936468-C-G.
Other names: c.1153+40C>G (NM_213655.5, NM_001184985.2, NM_014823.3).
Identifiers: ClinVar variation 670590 (VCV000670590.5), dbSNP rs2158502, ClinGen allele CA6381890.